The following is an entry in ClinVar:

ClinVar aggregate classification (germline): Pathogenic (1 of 4 stars; one submission).

Submission:

Labcorp Genetics (formerly Invitae), Labcorp
Classification: Pathogenic. Last evaluated: 2023-08-07. Review status: criteria provided, single submitter. Criteria: Invitae Variant Classification Sherloc (09022015). Collection method: clinical testing. Allele origin: germline.
Comment: This sequence change creates a premature translational stop signal (p.Phe1442Serfs*8) in the CACNA1B gene. It is expected to result in an absent or disrupted protein product. Loss-of-function variants in CACNA1B are known to be pathogenic (PMID: 30982612). This variant is not present in population databases (gnomAD no frequency). This variant has not been reported in the literature in individuals affected with CACNA1B-related conditions. For these reasons, this variant has been classified as Pathogenic.

Literature cited by the submitters: PubMed 30982612.

NM_000718.4(CACNA1B):c.4325del (p.Phe1442fs)

Gene: CACNA1B (calcium voltage-gated channel subunit alpha1 B; plus strand). Cytogenetic location: 9q34.3.
Variant type: Deletion.
Coding change: c.4325del on transcript NM_000718.4 (MANE Select); coding-DNA position 4325, one base deleted (T; older notation c.4325delT).
Protein change: p.Phe1442fs; shifts the reading frame from phenylalanine 1442.
Molecular consequence: frameshift variant.
Genome position (GRCh38, 1-based): chr9:138,058,585, T deleted; the last of 2 consecutive T bases (chr9:138,058,584-138,058,585); deleting either gives the same sequence. VCF-style (leftmost placement, unchanged base first): chr9-138058583-CT-C. GRCh37 (hg19) VCF-style: chr9-140953035-CT-C.
Other names: c.4325del, p.Phe1442fs (NM_001243812.2); short protein forms F1442fs.
Identifiers: ClinVar variation 2756096 (VCV002756096.3), dbSNP rs2539458600, ClinGen allele CA2697558241.